The following is an entry in ClinVar:

NM_001368397.1(FRMPD4):c.1844A>T (p.Glu615Val)

Gene: FRMPD4 (FERM and PDZ domain containing 4; plus strand). Cytogenetic location: Xp22.2.
Variant type: single nucleotide variant.
Coding change: c.1844A>T on transcript NM_001368397.1 (MANE Select); coding-DNA position 1844, A replaced by T.
Protein change: p.Glu615Val; replaces glutamic acid 615 with valine.
Molecular consequence: missense variant.
Genome position (GRCh38, 1-based): chrX:12,716,303, A>T. VCF-style: chrX-12716303-A-T. GRCh37 (hg19) VCF-style: chrX-12734422-A-T.
Other names: c.1955A>T, p.Glu652Val (NM_001368395.3, NM_001368398.3); c.1850A>T, p.Glu617Val (NM_001368396.3); c.1835A>T, p.Glu612Val (NM_001368399.3); c.1724A>T, p.Glu575Val (NM_001368400.3); c.1820A>T, p.Glu607Val (NM_001368401.1, NM_001368402.3); c.1844A>T, p.Glu615Val (NM_014728.3); short protein forms E575V, E607V, E612V, E615V, E617V, E652V.
Identifiers: ClinVar variation 1703462 (VCV001703462.2), dbSNP rs2519847398, ClinGen allele CA412309560.

ClinVar aggregate classification (germline): Uncertain significance (1 of 4 stars; one submission).

Allele frequency attached by ClinVar (database versions not stated): gnomAD exomes below 0.00001.
gnomAD v4.1: 1 of 1,210,364 alleles (0.000083%); highest among the groups gnomAD compares: Non-Finnish European, 0.00011%; no homozygotes.

Submission:

GeneDx
Classification: Uncertain significance. Last evaluated: 2022-02-25. Review status: criteria provided, single submitter. Criteria: GeneDx Variant Classification Process June 2021. Collection method: clinical testing. Allele origin: germline. Affected: yes.
Comment: Not observed at significant frequency in large population cohorts (gnomAD); In silico analysis supports that this missense variant does not alter protein structure/function; Has not been previously published as pathogenic or benign to our knowledge